The following is an entry in ClinVar:

ClinVar aggregate classification (germline): Uncertain significance (1 of 4 stars; one submission).

Submission:

Labcorp Genetics (formerly Invitae), Labcorp
Classification: Uncertain significance. Last evaluated: 2022-08-06. Review status: criteria provided, single submitter. Criteria: Invitae Variant Classification Sherloc (09022015). Collection method: clinical testing. Allele origin: germline.
Comment: In summary, the available evidence is currently insufficient to determine the role of this variant in disease. Therefore, it has been classified as a Variant of Uncertain Significance. Algorithms developed to predict the effect of missense changes on protein structure and function are either unavailable or do not agree on the potential impact of this missense change (SIFT: "Deleterious"; PolyPhen-2: "Not Available"; Align-GVGD: "Class C0"). This variant has not been reported in the literature in individuals affected with SUGCT-related conditions. This variant is not present in population databases (gnomAD no frequency). This sequence change replaces lysine, which is basic and polar, with glutamic acid, which is acidic and polar, at codon 198 of the SUGCT protein (p.Lys198Glu).

NM_001193313.2(SUGCT):c.682A>G (p.Lys228Glu)

Gene: SUGCT (succinyl-CoA:glutarate-CoA transferase; plus strand). Cytogenetic location: 7p14.1.
Variant type: single nucleotide variant.
Coding change: c.682A>G on transcript NM_001193313.2 (MANE Select); coding-DNA position 682, A replaced by G.
Protein change: p.Lys228Glu; replaces lysine 228 with glutamic acid.
Molecular consequence: missense variant. On other transcripts: intron variant (1).
Genome position (GRCh38, 1-based): chr7:40,274,618, A>G. VCF-style: chr7-40274618-A-G. GRCh37 (hg19) VCF-style: chr7-40314217-A-G.
Other names: c.682A>G, p.Lys228Glu (NM_001193311.2); c.571A>G, p.Lys191Glu (NM_024728.3); c.576+36892A>G (NM_001193312.2); short protein forms K228E, K191E.
Identifiers: ClinVar variation 2003861 (VCV002003861.4), dbSNP rs2485335166, ClinGen allele CA367312709.